The following is an entry in ClinVar:

ClinVar aggregate classification (germline): Uncertain significance. Review status: criteria provided, multiple submitters, no conflicts (2 of 4 stars). 5 submissions from 5 submitters: Uncertain significance (5). Last evaluated 2026-02-06.

Conditions:
Familial thoracic aortic aneurysm and aortic dissection (TAAD). Also called: Thoracic aortic aneurysms and dissections. Identifiers: Orphanet 91387, MedGen C4707243, MONDO:0019625.
Aortic aneurysm, familial thoracic 4 (AAT4). Also called: AORTIC ANEURYSM/AORTIC DISSECTION AND PATENT DUCTUS ARTERIOSUS. Identifiers: MedGen C1851504, MONDO:0007568, OMIM 132900.

Allele frequency attached by ClinVar (database versions not stated): gnomAD exomes below 0.00001 and 0.00001; TOPMed below 0.00001; ExAC 0.00001; gnomAD 0.00001.
gnomAD v4.1: 17 of 1,614,004 alleles (0.0011%); highest among the groups gnomAD compares: South Asian, 0.0022%; no homozygotes.

Submissions (5):

GeneDx
Classification: Uncertain significance. Last evaluated: 2026-02-06. Review status: criteria provided, single submitter. Criteria: GeneDx Variant Classification Process June 2021. Collection method: clinical testing. Allele origin: germline.
Comment: Not observed at significant frequency in large population cohorts (gnomAD); In silico analysis supports that this missense variant has a deleterious effect on protein structure/function; Has not been previously published as pathogenic or benign to our knowledge

Labcorp Genetics (formerly Invitae), Labcorp
Classification: Uncertain significance for Aortic aneurysm, familial thoracic 4. Last evaluated: 2025-06-23. Review status: criteria provided, single submitter. Criteria: Invitae Variant Classification Sherloc (09022015). Collection method: clinical testing. Allele origin: germline.
Comment: This sequence change replaces valine, which is neutral and non-polar, with methionine, which is neutral and non-polar, at codon 610 of the MYH11 protein (p.Val610Met). This variant is present in population databases (rs747024997, gnomAD 0.003%). This variant has not been reported in the literature in individuals affected with MYH11-related conditions. ClinVar contains an entry for this variant (Variation ID: 1332601). Invitae Evidence Modeling of protein sequence and biophysical properties (such as structural, functional, and spatial information, amino acid conservation, physicochemical variation, residue mobility, and thermodynamic stability) indicates that this missense variant is not expected to disrupt MYH11 protein function with a negative predictive value of 95%. In summary, the available evidence is currently insufficient to determine the role of this variant in disease. Therefore, it has been classified as a Variant of Uncertain Significance.

All of Us Research Program, National Institutes of Health
Classification: Uncertain significance for Familial thoracic aortic aneurysm and aortic dissection. Last evaluated: 2023-08-15. Review status: criteria provided, single submitter. Criteria: ACMG Guidelines, 2015. Collection method: clinical testing. Allele origin: germline. Inheritance: Autosomal dominant inheritance. Observed: 2 variant alleles, 2 heterozygotes.
Comment: This missense variant replaces valine with methionine at codon 610 of the MYH11 protein. Computational prediction suggests that this variant may have deleterious impact on protein structure and function (internally defined REVEL score threshold >= 0.7, PMID: 27666373). To our knowledge, functional studies have not been reported for this variant. This variant has not been reported in individuals affected with cardiovascular disorders in the literature. This variant has been identified in 1/251486 chromosomes in the general population by the Genome Aggregation Database (gnomAD). The available evidence is insufficient to determine the role of this variant in disease conclusively. Therefore, this variant is classified as a Variant of Uncertain Significance.

This study involves interpretation of variants in research participants for the purpose of population health screening. Participant phenotype was not available at the time of variant classification. Additional details can be found in publication PMID: 35346344, PMCID: PMC8962531

Ambry Genetics
Classification: Uncertain significance for Familial thoracic aortic aneurysm and aortic dissection. Last evaluated: 2022-12-03. Review status: criteria provided, single submitter. Criteria: Ambry Variant Classification Scheme 2023. Collection method: clinical testing. Allele origin: germline.
Comment: The p.V603M variant (also known as c.1807G>A), located in coding exon 14 of the MYH11 gene, results from a G to A substitution at nucleotide position 1807. The valine at codon 603 is replaced by methionine, an amino acid with highly similar properties. This amino acid position is conserved. In addition, this alteration is predicted to be deleterious by in silico analysis. Since supporting evidence is limited at this time, the clinical significance of this alteration remains unclear.

Color Diagnostics, LLC DBA Color Health
Classification: Uncertain significance for Familial thoracic aortic aneurysm and aortic dissection. Last evaluated: 2021-03-17. Review status: criteria provided, single submitter. Criteria: ACMG Guidelines, 2015. Collection method: clinical testing. Allele origin: germline.
Comment: This missense variant replaces valine with methionine at codon 610 of the MYH11 protein. Computational prediction suggests that this variant may have deleterious impact on protein structure and function (internally defined REVEL score threshold >= 0.7, PMID: 27666373). To our knowledge, functional studies have not been reported for this variant. This variant has not been reported in individuals affected with cardiovascular disorders in the literature. This variant has been identified in 1/251486 chromosomes in the general population by the Genome Aggregation Database (gnomAD). The available evidence is insufficient to determine the role of this variant in disease conclusively. Therefore, this variant is classified as a Variant of Uncertain Significance.

NM_002474.3(MYH11):c.1807G>A (p.Val603Met)

Gene: MYH11 (myosin heavy chain 11; minus strand). Cytogenetic location: 16p13.11.
Variant type: single nucleotide variant.
Coding change: c.1807G>A on transcript NM_002474.3 (MANE Select); coding-DNA position 1807, G replaced by A.
Protein change: p.Val603Met; replaces valine 603 with methionine.
Molecular consequence: missense variant.
Genome position (GRCh38, 1-based): chr16:15,753,451, C>T on the plus strand (G>A on the coding strand, the complement: MYH11 is on the minus strand). VCF-style: chr16-15753451-C-T. GRCh37 (hg19) VCF-style: chr16-15847308-C-T.
Other names: c.1828G>A, p.Val610Met (NM_001040113.2, NM_001040114.2); c.1807G>A, p.Val603Met (NM_022844.3); c.1807G>A (NM_002474.2); short protein forms V603M, V610M.
Identifiers: ClinVar variation 1332601 (VCV001332601.13), dbSNP rs747024997, ClinGen allele CA7922507.
Genomic context (GRCh38, chr16:15,753,451, plus strand): 5'-TACCGTCCTTCCACAGGTCGGCCACAAACTTGTCGGAGGAGGCATTGAGCAGGGAAGTCA[C>T]GTTGTCATTCAGCGGGTCCATATTCTTGGTCAGCCAGGCACTCGCATTATAGTCCACCTG-3'
Protein context (NP_002465.1, residues 593-613): TKNMDPLNDN[Val603Met]TSLLNASSDK